The following is an entry in ClinVar:

NM_006231.4(POLE):c.2161A>G (p.Arg721Gly)

Gene: POLE (DNA polymerase epsilon, catalytic subunit; minus strand). Cytogenetic location: 12q24.33.
Variant type: single nucleotide variant.
Coding change: c.2161A>G on transcript NM_006231.4 (MANE Select); coding-DNA position 2161, A replaced by G.
Protein change: p.Arg721Gly; replaces arginine 721 with glycine.
Molecular consequence: missense variant.
Genome position (GRCh38, 1-based): chr12:132,668,368, T>C on the plus strand (A>G on the coding strand, the complement: POLE is on the minus strand). VCF-style: chr12-132668368-T-C. GRCh37 (hg19) VCF-style: chr12-133244954-T-C.
Other names: short protein forms R721G.
Identifiers: ClinVar variation 4141177 (VCV004141177.2).

ClinVar aggregate classification (germline): Uncertain significance. Review status: criteria provided, multiple submitters, no conflicts (2 of 4 stars). 2 submissions from 2 submitters: Uncertain significance (2). Last evaluated 2025-11-15.

Conditions:
Hereditary cancer-predisposing syndrome. Also called: Hereditary neoplastic syndrome; Neoplastic Syndromes, Hereditary; Tumor predisposition; Hereditary Cancer Syndrome. Identifiers: Orphanet 140162, MedGen C0027672, MeSH D009386, MONDO:0015356.

Submissions (2):

Labcorp Genetics (formerly Invitae), Labcorp
Classification: Uncertain significance. Last evaluated: 2025-11-15. Review status: criteria provided, single submitter. Criteria: Invitae Variant Classification Sherloc (09022015). Collection method: clinical testing. Allele origin: germline.
Comment: This sequence change replaces arginine, which is basic and polar, with glycine, which is neutral and non-polar, at codon 721 of the POLE protein (p.Arg721Gly). This variant is not present in population databases (gnomAD no frequency). This variant has not been reported in the literature in individuals affected with POLE-related conditions. ClinVar contains an entry for this variant (Variation ID: 4141177). Invitae Evidence Modeling of protein sequence and biophysical properties (such as structural, functional, and spatial information, amino acid conservation, physicochemical variation, residue mobility, and thermodynamic stability) indicates that this missense variant is not expected to disrupt POLE protein function with a negative predictive value of 80%. In summary, the available evidence is currently insufficient to determine the role of this variant in disease. Therefore, it has been classified as a Variant of Uncertain Significance.

Ambry Genetics
Classification: Uncertain significance for Hereditary cancer-predisposing syndrome. Last evaluated: 2025-07-25. Review status: criteria provided, single submitter. Criteria: Ambry Variant Classification Scheme 2023. Collection method: clinical testing. Allele origin: germline.
Comment: The p.R721G variant (also known as c.2161A>G), located in coding exon 19 of the POLE gene, results from an A to G substitution at nucleotide position 2161. The arginine at codon 721 is replaced by glycine, an amino acid with dissimilar properties. This amino acid position is conserved. In addition, this alteration is predicted to be tolerated by in silico analysis. Based on the available evidence, the clinical significance of this variant remains unclear.